The following is an entry in ClinVar:

ClinVar aggregate classification (germline): Uncertain significance (1 of 4 stars; one submission).

gnomAD v4.1: 25 of 1,614,084 alleles (0.0015%); highest among the groups gnomAD compares: Admixed American, 0.005%; no homozygotes.

Submission:

Labcorp Genetics (formerly Invitae), Labcorp
Classification: Uncertain significance. Last evaluated: 2025-12-01. Review status: criteria provided, single submitter. Criteria: Invitae Variant Classification Sherloc (09022015). Collection method: clinical testing. Allele origin: germline.
Comment: This sequence change replaces lysine, which is basic and polar, with glutamine, which is neutral and polar, at codon 33 of the CDC6 protein (p.Lys33Gln). This variant is present in population databases (rs757875648, gnomAD 0.006%). This variant has not been reported in the literature in individuals affected with CDC6-related conditions. An algorithm developed to predict the effect of missense changes on protein structure and function outputs the following: PolyPhen-2: "Benign". The glutamine amino acid residue is found in multiple mammalian species, which suggests that this missense change does not adversely affect protein function. In summary, the available evidence is currently insufficient to determine the role of this variant in disease. Therefore, it has been classified as a Variant of Uncertain Significance.

NM_001254.4(CDC6):c.97A>C (p.Lys33Gln)

Gene: CDC6 (cell division cycle 6; plus strand). Cytogenetic location: 17q21.2.
Variant type: single nucleotide variant.
Coding change: c.97A>C on transcript NM_001254.4 (MANE Select); coding-DNA position 97, A replaced by C.
Protein change: p.Lys33Gln; replaces lysine 33 with glutamine.
Molecular consequence: missense variant.
Genome position (GRCh38, 1-based): chr17:40,289,517, A>C. VCF-style: chr17-40289517-A-C. GRCh37 (hg19) VCF-style: chr17-38445769-A-C.
Other names: short protein forms K33Q.
Identifiers: ClinVar variation 4748078 (VCV004748078.1).
Genomic context (GRCh38, chr17:40,289,517, plus strand): 5'-AGTTTTCCAAAAAGGAAGCTGTCTCGGGCATTGAACAAAGCTAAAAACTCCAGTGATGCC[A>C]AACTAGAACCAACAAATGTCCAAACCGTAACCTGTTCTCCTCGTGTAAAAGCCCTGCCTC-3'
Protein context (NP_001245.1, residues 23-43): LNKAKNSSDA[Lys33Gln]LEPTNVQTVT